The following is an entry in ClinVar:

NM_144687.4(NLRP12):c.1035G>A (p.Thr345=)

Gene: NLRP12 (NLR family pyrin domain containing 12; minus strand). Cytogenetic location: 19q13.42.
Variant type: single nucleotide variant.
Coding change: c.1035G>A on transcript NM_144687.4 (MANE Select); coding-DNA position 1035, G replaced by A.
Protein change: p.Thr345=; no amino-acid change (threonine 345 retained).
Molecular consequence: synonymous variant.
Genome position (GRCh38, 1-based): chr19:53,810,624, C>T on the plus strand (G>A on the coding strand, the complement: NLRP12 is on the minus strand). VCF-style: chr19-53810624-C-T. GRCh37 (hg19) VCF-style: chr19-54313878-C-T.
Other names: c.1035G>A, p.Thr345= (NM_001277126.2, NM_001277129.1); c.1035G>A (NM_144687.3).
Identifiers: ClinVar variation 1013400 (VCV001013400.43), dbSNP rs770310990, ClinGen allele CA9639535.
Genomic context (GRCh38, chr19:53,810,624, plus strand): 5'-GAAGCCCAGGATCTCCACATGCCTGGGGTGCTCCAGCAGACGGTGGAGCTTCTCCAAAGC[C>T]GTGGGCCGTGTGGTGATGAGCAAAGATAGCTCAGGGAGCAGCTTCTTCCGAATTAAGCTG-3'
Protein context (NP_653288.1, residues 335-355): ELSLLITTRP[Thr345=]ALEKLHRLLE

ClinVar aggregate classification (germline): Likely benign. Review status: criteria provided, multiple submitters, no conflicts (2 of 4 stars). 3 submissions from 3 submitters: Likely benign (3). Last evaluated 2026-05-26.

Conditions:
NLRP12-related disorder. Also called: NLRP12-related condition; NLRP12-related conditions.
Familial cold autoinflammatory syndrome 2 (FCAS2). Identifiers: Orphanet 247868, MedGen C2673198, MONDO:0012724, OMIM 611762.

Allele frequency attached by ClinVar (database versions not stated): ExAC 0.00001; gnomAD exomes 0.00001.
gnomAD v4.1: 10 of 1,613,994 alleles (0.00062%); highest among the groups gnomAD compares: Non-Finnish European, 0.00042%; no homozygotes.

Submissions (3):

PreventionGenetics, part of Exact Sciences
Classification: Likely benign for NLRP12-related condition. Last evaluated: 2026-05-26. Review status: criteria provided, single submitter. Criteria: ACMG Guidelines, 2015. Collection method: clinical testing. Allele origin: germline.
Comment: This variant is classified as likely benign based on ACMG/AMP sequence variant interpretation guidelines (Richards et al. 2015 PMID: 25741868, with internal and published modifications).

Labcorp Genetics (formerly Invitae), Labcorp
Classification: Likely benign for Familial cold autoinflammatory syndrome 2. Last evaluated: 2024-10-16. Review status: criteria provided, single submitter. Criteria: Invitae Variant Classification Sherloc (09022015). Collection method: clinical testing. Allele origin: germline.

CeGaT Center for Human Genetics Tuebingen
Classification: Likely benign. Last evaluated: 2020-10-01. Review status: criteria provided, single submitter. Criteria: CeGaT Center For Human Genetics Tuebingen Variant Classification Criteria Version 2. Collection method: clinical testing. Allele origin: germline. Affected: yes. Observed: 1 variant allele.